The following is an entry in ClinVar:

ClinVar aggregate classification (germline): Benign. Review status: criteria provided, multiple submitters, no conflicts (2 of 4 stars). 2 submissions from 2 submitters: Benign (2). Last evaluated 2016-03-28.

Allele frequency attached by ClinVar (database versions not stated): gnomAD 0.00004; gnomAD exomes 0.00535; ExAC 0.32772.

Submissions (2):

Laboratory for Molecular Medicine, Mass General Brigham Personalized Medicine
Classification: Benign. Last evaluated: 2016-03-28. Review status: criteria provided, single submitter. Criteria: LMM Criteria. Collection method: clinical testing. Allele origin: germline.
Comment: Variant identified in a genome or exome case(s) and assessed due to predicted null impact of the variant or pathogenic assertions in the literature or databases. Disclaimer: This variant has not undergone full assessment. The following are preliminary notes: Does not pass quality filter

Breakthrough Genomics
Classification: Benign. Review status: criteria provided, single submitter. Criteria: ACMG Guidelines, 2015. Collection method: not provided. Allele origin: germline. Inheritance: Unknown mechanism. Affected: yes.

NM_001001480.3(KRTAP5-5):c.575A>G (p.Tyr192Cys)

Gene: KRTAP5-5 (keratin associated protein 5-5; plus strand). Cytogenetic location: 11p15.5.
Variant type: single nucleotide variant.
Coding change: c.575A>G on transcript NM_001001480.3 (MANE Select); coding-DNA position 575, A replaced by G.
Protein change: p.Tyr192Cys; replaces tyrosine 192 with cysteine.
Molecular consequence: missense variant.
Genome position (GRCh38, 1-based): chr11:1,630,415, A>G. VCF-style: chr11-1630415-A-G. GRCh37 (hg19) VCF-style: chr11-1651645-A-G.
Other names: short protein forms Y192C.
Identifiers: ClinVar variation 403024 (VCV000403024.5), dbSNP rs77039648, ClinGen allele CA5813605.